The following is an entry in ClinVar:

ClinVar aggregate classification (germline): Uncertain significance (1 of 4 stars; one submission).

Conditions:
Juvenile myelomonocytic leukemia (JMML). Also called: LEUKEMIA, JUVENILE MYELOMONOCYTIC, SOMATIC. Identifiers: Orphanet 86834, MedGen C0349639, MONDO:0011908, OMIM 607785, HP:0012209.
Neurofibromatosis-Noonan syndrome (NFNS). Also called: NEUROFIBROMATOSIS WITH NOONAN PHENOTYPE. Identifiers: Orphanet 638, MedGen C2931482, MONDO:0011035, OMIM 601321. Disease mechanism: loss of function.
Café-au-lait macules with pulmonary stenosis (WTSN). Also called: PULMONIC STENOSIS WITH CAFE-AU-LAIT SPOTS. Identifiers: MedGen C0553586, MONDO:0008672, OMIM 193520.
Neurofibromatosis, type 1 (NF1). Also called: Peripheral type neurofibromatosis; VON RECKLINGHAUSEN DISEASE; Neurofibromatosis, type I; NEUROFIBROMATOSIS, TYPE I, SOMATIC. Identifiers: Orphanet 636, MedGen C0027831, MONDO:0018975, OMIM 162200. Disease mechanism: loss of function.
Neurofibromatosis, familial spinal (FSNF). Identifiers: Orphanet 636, MedGen C1834235, MONDO:0008078, OMIM 162210. Disease mechanism: loss of function.

gnomAD v4.1: 1 of 1,497,004 alleles (0.000067%); highest among the groups gnomAD compares: East Asian, 0.0023%; no homozygotes.

Submission:

Juno Genomics, Hangzhou Juno Genomics, Inc
Classification: Uncertain significance for Neurofibromatosis, type 1; Juvenile myelomonocytic leukemia; Neurofibromatosis, familial spinal; Neurofibromatosis-Noonan syndrome; Café-au-lait macules with pulmonary stenosis. Review status: criteria provided, single submitter. Criteria: ACMG Guidelines, 2015. Collection method: clinical testing. Allele origin: germline.
Comment: Absent from controls (or at extremely low frequency if recessive) in Genome Aggregation Database.

NM_001042492.3(NF1):c.4333-15T>G

Gene: NF1 (neurofibromin 1; plus strand). Cytogenetic location: 17q11.2.
Variant type: single nucleotide variant.
Coding change: c.4333-15T>G on transcript NM_001042492.3 (MANE Select); 15 bases into the intron before coding-DNA position 4333, T replaced by G.
Molecular consequence: intron variant.
Genome position (GRCh38, 1-based): chr17:31,259,017, T>G. VCF-style: chr17-31259017-T-G. GRCh37 (hg19) VCF-style: chr17-29586035-T-G.
Other names: c.4270-15T>G (NM_000267.4).
Identifiers: ClinVar variation 5005735 (VCV005005735.2).